The following is an entry in ClinVar:

ClinVar aggregate classification (germline): Benign. Review status: criteria provided, multiple submitters, no conflicts (2 of 4 stars). 10 submissions from 10 submitters: Benign (7). 3 of the submissions do not count toward it. Last evaluated 2026-02-04.

Conditions:
Retinal dystrophy. Also called: Inherited retinal dystrophy. Identifiers: Orphanet 71862, MedGen C0854723, MeSH D058499, MONDO:0019118, HP:0000556.
Retinitis pigmentosa (RP). Identifiers: Orphanet 791, MedGen C0035334, MeSH D012174, MONDO:0019200, OMIM 268000. Inheritance: Autosomal dominant, autosomal recessive and X linked inheritance.
Retinitis pigmentosa 25 (RP25). Identifiers: Orphanet 791, MedGen C1864446, MONDO:0011272, OMIM 602772.

Allele frequency attached by ClinVar (database versions not stated): gnomAD exomes 0.11869; 1000 Genomes Project 30x 0.09244; gnomAD 0.09856 and 0.10092; ExAC 0.10341; 1000 Genomes Project 0.09385; TOPMed 0.10461; ESP Exome Variant Server 0.10824.
gnomAD v4.1: 200,469 of 1,551,080 alleles (13%); highest among the groups gnomAD compares: East Asian, 15%; 13,839 homozygotes.

Submissions (10):

Labcorp Genetics (formerly Invitae), Labcorp
Classification: Benign. Last evaluated: 2026-02-04. Review status: criteria provided, single submitter. Criteria: Invitae Variant Classification Sherloc (09022015). Collection method: clinical testing. Allele origin: germline.

Women's Health and Genetics/Laboratory Corporation of America, LabCorp
Classification: Benign. Last evaluated: 2025-11-24. Review status: criteria provided, single submitter. Criteria: LabCorp Variant Classification Summary - May 2015. Collection method: clinical testing. Allele origin: germline.

Dept Of Ophthalmology, Nagoya University
Classification: Benign for Retinal dystrophy. Last evaluated: 2023-10-01. Review status: criteria provided, single submitter. Criteria: Submitter's publication. Collection method: research. Allele origin: germline. Affected: yes.

Genome-Nilou Lab
Classification: Benign for Retinitis pigmentosa 25. Last evaluated: 2021-07-01. Review status: criteria provided, single submitter. Criteria: ACMG Guidelines, 2015. Collection method: clinical testing. Allele origin: germline. Affected: no.

Illumina Laboratory Services, Illumina
Classification: Benign for Retinitis pigmentosa. Last evaluated: 2018-01-13. Review status: criteria provided, single submitter. Criteria: ICSL Variant Classification Criteria 13 December 2019. Collection method: clinical testing. Allele origin: germline.
Comment: This variant was observed in the ICSL laboratory as part of a predisposition screen in an ostensibly healthy population. It had not been previously curated by ICSL or reported in the Human Gene Mutation Database (HGMD: prior to June 1st, 2018), and was therefore a candidate for classification through an automated scoring system. Utilizing variant allele frequency, disease prevalence and penetrance estimates, and inheritance mode, an automated score was calculated to assess if this variant is too frequent to cause the disease. Based on the score and internal cut-off values, a variant classified as benign is not then subjected to further curation. The score for this variant resulted in a classification of benign for this disease.

Eurofins Ntd Llc (ga)
Classification: Benign. Last evaluated: 2013-09-19. Review status: criteria provided, single submitter. Criteria: EGL Classification Definitions 2015. Collection method: clinical testing. Allele origin: germline. Observed: 4 variant alleles, 4 heterozygotes.

GeneDx
Classification: Benign. Last evaluated: 2011-08-11. Review status: criteria provided, single submitter. Criteria: GeneDx Variant Classification (06012015). Collection method: clinical testing. Allele origin: germline. Affected: yes.
Comment: This variant is considered likely benign or benign based on one or more of the following criteria: it is a conservative change, it occurs at a poorly conserved position in the protein, it is predicted to be benign by multiple in silico algorithms, and/or has population frequency not consistent with disease.

Natera, Inc.
Classification: Benign for Retinitis pigmentosa. Last evaluated: 2020-09-16. Review status: no assertion criteria provided. Collection method: clinical testing. Allele origin: germline. Not counted in ClinVar's aggregate classification.

Clinical Genetics DNA and cytogenetics Diagnostics Lab, Erasmus MC, Erasmus Medical Center
Classification: Benign. Review status: no assertion criteria provided. Collection method: clinical testing. Allele origin: germline. Affected: yes. Study: VKGL Data-share Consensus. Not counted in ClinVar's aggregate classification.

Joint Genome Diagnostic Labs from Nijmegen and Maastricht, Radboudumc and MUMC+
Classification: Benign. Review status: no assertion criteria provided. Collection method: clinical testing. Allele origin: germline. Affected: yes. Study: VKGL Data-share Consensus. Not counted in ClinVar's aggregate classification.

NM_001142800.2(EYS):c.4593G>A (p.Glu1531=)

Gene: EYS (EGF-like photoreceptor maintenance factor; minus strand). Cytogenetic location: 6q12.
Variant type: single nucleotide variant.
Coding change: c.4593G>A on transcript NM_001142800.2 (MANE Select); coding-DNA position 4593, G replaced by A.
Protein change: p.Glu1531=; no amino-acid change (glutamic acid 1531 retained).
Molecular consequence: synonymous variant.
Genome position (GRCh38, 1-based): chr6:64,591,274, C>T on the plus strand (G>A on the coding strand, the complement: EYS is on the minus strand). VCF-style: chr6-64591274-C-T. GRCh37 (hg19) VCF-style: chr6-65301167-C-T.
Other names: p.E1531E:GAG>GAA; c.4593G>A (FM209056.1); c.4593G>A, p.Glu1531= (NM_001292009.2).
Identifiers: ClinVar variation 93615 (VCV000093615.26), dbSNP rs62415825, ClinGen allele CA147153.
Genomic context (GRCh38, chr6:64,591,274, plus strand): 5'-TTCTCTTAAAGAATCAGCAGCCTGTGATTTGATGTTTGTGAGTCTCTGGTTGCTTGAAGC[C>T]TCAGTAATAGCCTGATATTCACTGGGATTGAAGGCTTTTGTACTGAACCGGTGCAGAGCT-3'
Protein context (NP_001136272.1, residues 1521-1541): FNPSEYQAIT[Glu1531=]ASSNQRLTNI